The following is an entry in ClinVar:

NM_001005242.3(PKP2):c.2066_2070del (p.His689fs)

Gene: PKP2 (plakophilin 2; minus strand). Cytogenetic location: 12p11.21.
Variant type: Deletion.
Coding change: c.2066_2070del on transcript NM_001005242.3 (MANE Select); coding-DNA positions 2066 to 2070, 5 bases deleted (ACACC; older notation c.2066_2070delACACC).
Protein change: p.His689fs; shifts the reading frame from histidine 689.
Molecular consequence: frameshift variant.
Genome position (GRCh38, 1-based): chr12:32,802,500-32,802,504, GGTGT deleted on the plus strand (ACACC on the coding strand, the reverse complement: PKP2 is on the minus strand); deleting any 5 consecutive bases within chr12:32,802,500-32,802,505 gives the same sequence; the c. name uses the placement nearest the transcript's 3' end. VCF-style (leftmost placement, unchanged base first): chr12-32802499-GGGTGT-G. GRCh37 (hg19) VCF-style: chr12-32955433-GGGTGT-G.
Other names: c.2066_2070del (NM_001005242.2); c.2198_2202del, p.His733fs (NM_004572.4); c.2198_2202delACACC (NM_004572.3); c.2066_2070delACACC (NM_001005242.2); short protein forms H689fs, H733fs.
Identifiers: ClinVar variation 689321 (VCV000689321.26), dbSNP rs397517021, ClinGen allele CA6508289.

ClinVar aggregate classification (germline): Pathogenic. Review status: criteria provided, multiple submitters, no conflicts (2 of 4 stars). 10 submissions from 10 submitters: Pathogenic (9). 1 of the submissions does not count toward it. Last evaluated 2024-10-28.

Conditions:
PKP2-related disorder. Also called: PKP2-related condition.
Arrhythmogenic right ventricular dysplasia 9 (ARVD9). Also called: Arrhythmogenic Right Ventricular Dysplasia/Cardiomyopathy 9; ARRHYTHMOGENIC RIGHT VENTRICULAR DYSPLASIA, FAMILIAL, 9. Identifiers: MedGen C1836906, MONDO:0012180, OMIM 609040.
Hypertrophic cardiomyopathy. Also called: HYPERTROPHIC MYOCARDIOPATHY. Identifiers: Orphanet 217569, MedGen C0007194, MeSH D002312, MONDO:0005045, HP:0001639.
Arrhythmogenic right ventricular cardiomyopathy (ARVD). Also called: Arrhythmogenic Right Ventricular Cardiomyopathy (ARVC); Cardiomyopathy, ARVC; Arrhythmogenic right ventricular dysplasia; Arrhythmogenic cardiomyopathy. Identifiers: Orphanet 247, MedGen C0349788, MeSH D019571, MONDO:0016587. Disease mechanism: loss of function. Inheritance: Various modes of inheritance.

Submissions (10):

Blueprint Genetics
Classification: Pathogenic for PKP2-related disorders. Last evaluated: 2024-10-28. Review status: criteria provided, single submitter. Criteria: ACMG Guidelines, 2015. Collection method: clinical testing. Allele origin: germline. Affected: yes. Observed: 5 variant alleles.

Baylor Genetics
Classification: Pathogenic for Arrhythmogenic right ventricular dysplasia 9. Last evaluated: 2023-11-07. Review status: criteria provided, single submitter. Criteria: ACMG Guidelines, 2015. Collection method: clinical testing. Allele origin: unknown.

Clinical Genetics Laboratory, Skane University Hospital Lund
Classification: Pathogenic. Last evaluated: 2022-05-27. Review status: criteria provided, single submitter. Criteria: ACMG Guidelines, 2015. Collection method: clinical testing. Allele origin: germline. Affected: yes.

AiLife Diagnostics
Classification: Pathogenic. Last evaluated: 2021-12-27. Review status: criteria provided, single submitter. Criteria: ACMG Guidelines, 2015. Collection method: clinical testing. Allele origin: germline. Affected: yes. Observed: 1 variant allele.

Center for Genomics, Ann and Robert H. Lurie Children's Hospital of Chicago
Classification: Pathogenic for Arrhythmogenic right ventricular dysplasia 9. Last evaluated: 2021-03-30. Review status: criteria provided, single submitter. Criteria: ACMG Guidelines, 2015. Collection method: clinical testing. Allele origin: germline.
Comment: PKP2 NM_004572.3 exon 11 p.His733Alafs*8 (c.2197_2202delinsG): This variant has been reported in the literature in several individuals with ARVC, segregating with disease in at least 4 affected family members (Syrris 2006 PMID:16415378, den Haan 2009 PMID:20031617, Fressart 2010 PMID:20400443, Xu 2010 PMID:20152563, Walsh 2017 PMID:27532257, Hoorntje 2018 PMID:30161220). This variant is not present in large control databases; of note, another variant with a similar amino acid impact (p.His733Profs*8) is present in 0.003% (5/129074) of European controls in the Genome Aggregation Database. This variant is present in ClinVar, with several labs classifying this variant as pathogenic (Variation ID:45063). Evolutionary conservation and computational predictive tools for this variant are limited or unavailable. This variant represents a deletion of 6 nucleotides and an insertion of 1 nucleotide; this indel creates a premature stop codon 8 amino acids downstream from this location which results in an absent or abnormal protein. Loss of function variants are a known mechanism of disease for this gene (Rasmussen 2014 PMID:24704780). In summary, this variant is classified as pathogenic.

Cambridge Genomics Laboratory, East Genomic Laboratory Hub, NHS Genomic Medicine Service
Classification: Pathogenic for Hypertrophic cardiomyopathy. Last evaluated: 2019-04-17. Review status: criteria provided, single submitter. Criteria: ACGS Best Practice Guidelines for Variant Classification in Rare Disease 2020. Collection method: clinical testing. Allele origin: germline. Affected: yes. Observed: 1 variant allele.

Heart Center, Academic Medical Center Amsterdam
Classification: Pathogenic for Arrhythmogenic right ventricular dysplasia 9. Last evaluated: 2018-12-01. Review status: criteria provided, single submitter. Criteria: ACMG Guidelines, 2015. Collection method: research. Allele origin: unknown. Affected: yes.

Laboratory for Molecular Medicine, Mass General Brigham Personalized Medicine
Classification: Pathogenic for Arrhythmogenic right ventricular cardiomyopathy. Last evaluated: 2016-01-26. Review status: criteria provided, single submitter. Criteria: ACMG Guidelines, 2015. Collection method: clinical testing. Allele origin: germline. Inheritance: Autosomal dominant inheritance.
Comment: The p.His733ProfsX8 variant in PKP2 has not been previously reported in individuals with ARVC or in the large population studies, though a similar variant (His733AlafsX8) has been reported in >20 individuals and is classified as pathogenic by our laboratory. This p.His733ProfsX8 rameshift variant is predicted to alter the protein’s amino acid sequence beginning at position 733 and lead to a premature termination codon 8 amino acids downstream. This alteration is then predicted to lead to a truncated or absent protein. Heterozygous loss of PKP2 function is an established disease mechanism in individuals with ARVC. In summary, this variant meets our criteria to be classified as pathogenic.

GeneDx
Classification: Pathogenic. Last evaluated: 2015-03-03. Review status: criteria provided, single submitter. Criteria: GeneDx Variant Classification Process June 2021. Collection method: clinical testing. Allele origin: germline. Affected: yes.
Comment: Frameshift variant predicted to result in protein truncation or nonsense mediated decay in a gene for which loss-of-function is a known mechanism of disease; Not observed at a significant frequency in large population cohorts (Lek et al., 2016); This variant is associated with the following publications: (PMID: 30700137, 30161220)

deCODE genetics, Amgen
Classification: Pathogenic for Arrhythmogenic right ventricular dysplasia 9. Last evaluated: 2023-07-21. Review status: no assertion criteria provided. Collection method: research. Allele origin: germline. Affected: yes. Observed: 305 variant alleles. Not counted in ClinVar's aggregate classification.
Comment: The variant NM_001005242.3:c.2066_2070del (chr12:32802499) in PKP2 was detected in 137 heterozygotes out of 58K WGS Icelanders (MAF= 0,118%). Following imputation in a set of 166K Icelanders (305 imputed heterozygotes) we observed an association with atrial fibrillation and flutter using 20168 cases and 351419 controls (OR= 2.31, P= 2.75e-05) and cardiomyopathy using 1974 cases and 365360 controls (OR= 4.11, P= 1.75e-04). This variant has been reported in ClinVar previously as pathogenic. Based on ACMG criteria (PVS1, PS4, PP5) this variant classifies as pathogenic.

Literature cited by the submitters: PubMed 30161220 (cited by AiLife Diagnostics); PubMed 30700137 (cited by AiLife Diagnostics); PubMed 33087929 (cited by AiLife Diagnostics); PubMed 25807282 (cited by Laboratory for Molecular Medicine, Mass General Brigham Personalized Medicine).